The following is an entry in ClinVar:

GRCh37/hg19 12p13.32(chr12:4477393-4488878)

Gene: FGF23 (fibroblast growth factor 23; minus strand). Cytogenetic location: 12p13.32.
Variant type: copy number loss.
Identifiers: ClinVar variation 1179114 (VCV001179114.2).

ClinVar aggregate classification (germline): Pathogenic (0 of 4 stars; one submission).

Conditions:
Autosomal dominant hypophosphatemic rickets (ADHR). Also called: HYPOPHOSPHATEMIA, AUTOSOMAL DOMINANT; VITAMIN D-RESISTANT RICKETS, AUTOSOMAL DOMINANT. Identifiers: Orphanet 89937, MedGen C0342642, MONDO:0008660, OMIM 193100.
Tumoral calcinosis, hyperphosphatemic, familial, 2. Identifiers: MedGen C4693863, MONDO:0060714, OMIM 617993.

Submission:

Fulgent Genetics
Classification: Pathogenic for Autosomal dominant hypophosphatemic rickets; Tumoral calcinosis, hyperphosphatemic, familial, 2. Review status: no assertion criteria provided. Collection method: clinical testing. Allele origin: unknown.
Comment: This variant has been detected in individual(s) who were sent for testing of Renasight - kidney gene panel.